The following is an entry in ClinVar:

ClinVar aggregate classification (germline): Uncertain significance (1 of 4 stars; one submission).

Allele frequency attached by ClinVar (database versions not stated): gnomAD 0.00017; ExAC 0.00074; 1000 Genomes Project 30x 0.00094; 1000 Genomes Project 0.00100.
gnomAD v4.1: 520 of 1,614,110 alleles (0.032%); highest among the groups gnomAD compares: South Asian, 0.52%; 1 homozygote.

Submission:

Ambry Genetics
Classification: Uncertain significance. Last evaluated: 2024-10-20. Review status: criteria provided, single submitter. Criteria: Ambry Variant Classification Scheme 2023. Collection method: clinical testing. Allele origin: germline.
Comment: The p.A1695V variant (also known as c.5084C>T), located in coding exon 4 of the ALPK2 gene, results from a C to T substitution at nucleotide position 5084. The alanine at codon 1695 is replaced by valine, an amino acid with similar properties. This amino acid position is conserved. In addition, this alteration is predicted to be tolerated by in silico analysis. Since supporting evidence is limited at this time, the clinical significance of this alteration remains unclear.

NM_052947.4(ALPK2):c.5084C>T (p.Ala1695Val)

Genes: ALPK2 (alpha kinase 2; minus strand), LOC130062577 (ATAC-STARR-seq lymphoblastoid active region 13389; plus strand). Cytogenetic location: 18q21.31.
Variant type: single nucleotide variant.
Coding change: c.5084C>T on transcript NM_052947.4 (MANE Select); coding-DNA position 5084, C replaced by T.
Protein change: p.Ala1695Val; replaces alanine 1695 with valine.
Molecular consequence: missense variant.
Genome position (GRCh38, 1-based): chr18:58,535,103, G>A on the plus strand (C>T on the coding strand, the complement: ALPK2 is on the minus strand). VCF-style: chr18-58535103-G-A. GRCh37 (hg19) VCF-style: chr18-56202335-G-A.
Other names: short protein forms A1695V.
Identifiers: ClinVar variation 1745237 (VCV001745237.3), dbSNP rs376560005, ClinGen allele CA8976582.